The following is an entry in ClinVar:

NM_000535.7(PMS2):c.2280A>G (p.Pro760=)

Gene: PMS2 (PMS1 homolog 2, mismatch repair system component; minus strand). Cytogenetic location: 7p22.1.
Variant type: single nucleotide variant.
Coding change: c.2280A>G on transcript NM_000535.7 (MANE Select); coding-DNA position 2280, A replaced by G.
Protein change: p.Pro760=; no amino-acid change (proline 760 retained).
Molecular consequence: synonymous variant.
Genome position (GRCh38, 1-based): chr7:5,977,753, T>C on the plus strand (A>G on the coding strand, the complement: PMS2 is on the minus strand). VCF-style: chr7-5977753-T-C. GRCh37 (hg19) VCF-style: chr7-6017384-T-C.
Other names: c.1875A>G, p.Pro625= (NM_001322003.2, NM_001322004.2, NM_001322005.2); c.2124A>G, p.Pro708= (NM_001322006.2); c.1962A>G, p.Pro654= (NM_001322007.2, NM_001322008.2); c.1908A>G, p.Pro636= (NM_001322009.2); c.1719A>G, p.Pro573= (NM_001322010.2); c.1347A>G, p.Pro449= (NM_001322011.2, NM_001322012.2); c.1707A>G, p.Pro569= (NM_001322013.2); c.2313A>G, p.Pro771= (NM_001322014.2); and 1 more.
Identifiers: ClinVar variation 1148377 (VCV001148377.12), dbSNP rs1781857172, ClinGen allele CA453642499.

ClinVar aggregate classification (germline): Benign/Likely benign. Review status: criteria provided, multiple submitters, no conflicts (2 of 4 stars). 3 submissions from 3 submitters: Benign (1); Likely benign (2). Last evaluated 2025-02-03.

Conditions:
Lynch syndrome 4 (LYNCH4). Also called: Hereditary non-polyposis colorectal cancer, type 4; Colorectal cancer, hereditary nonpolyposis, type 4. Identifiers: Orphanet 144, MedGen C1838333, MONDO:0013699, OMIM 614337. Disease mechanism: loss of function.
Hereditary cancer-predisposing syndrome. Also called: Hereditary neoplastic syndrome; Neoplastic Syndromes, Hereditary; Tumor predisposition; Hereditary Cancer Syndrome. Identifiers: Orphanet 140162, MedGen C0027672, MeSH D009386, MONDO:0015356.
Hereditary nonpolyposis colorectal neoplasms. Identifiers: MedGen C0009405, MeSH D003123.

Submissions (3):

Myriad Genetics, Inc.
Classification: Benign for Lynch syndrome 4. Last evaluated: 2025-02-03. Review status: criteria provided, single submitter. Criteria: Myriad Autosomal Dominant, Autosomal Recessive and X-Linked Classification Criteria (2023). Collection method: clinical testing. Allele origin: unknown.
Comment: This variant is considered benign. This variant is a silent/synonymous amino acid change and it is not expected to impact splicing.

Labcorp Genetics (formerly Invitae), Labcorp
Classification: Likely benign for Hereditary nonpolyposis colorectal neoplasms. Last evaluated: 2022-11-28. Review status: criteria provided, single submitter. Criteria: Invitae Variant Classification Sherloc (09022015). Collection method: clinical testing. Allele origin: germline.

Ambry Genetics
Classification: Likely benign for Hereditary cancer-predisposing syndrome. Last evaluated: 2022-03-03. Review status: criteria provided, single submitter. Criteria: Ambry Variant Classification Scheme 2023. Collection method: clinical testing. Allele origin: germline.